The following is an entry in ClinVar:

NM_017636.4(TRPM4):c.3043T>G (p.Tyr1015Asp)

Gene: TRPM4 (transient receptor potential cation channel subfamily M member 4; plus strand). Cytogenetic location: 19q13.33.
Variant type: single nucleotide variant.
Coding change: c.3043T>G on transcript NM_017636.4 (MANE Select); coding-DNA position 3043, T replaced by G.
Protein change: p.Tyr1015Asp; replaces tyrosine 1015 with aspartic acid.
Molecular consequence: missense variant.
Genome position (GRCh38, 1-based): chr19:49,202,053, T>G. VCF-style: chr19-49202053-T-G. GRCh37 (hg19) VCF-style: chr19-49705310-T-G.
Other names: c.2608T>G, p.Tyr870Asp (NM_001195227.2); c.2698T>G, p.Tyr900Asp (NM_001321281.2); c.1435T>G, p.Tyr479Asp (NM_001321282.2); c.2521T>G, p.Tyr841Asp (NM_001321283.2); c.1981T>G, p.Tyr661Asp (NM_001321285.2); short protein forms Y1015D, Y841D, Y870D, Y479D, Y661D, Y900D.
Identifiers: ClinVar variation 871004 (VCV000871004.21), dbSNP rs757067985, ClinGen allele CA9569756.

ClinVar aggregate classification (germline): Uncertain significance. Review status: criteria provided, multiple submitters, no conflicts (2 of 4 stars). 4 submissions from 4 submitters: Uncertain significance (4). Last evaluated 2025-09-24.

Conditions:
Cardiovascular phenotype. Identifiers: MedGen CN230736.
Progressive familial heart block type IB (PFHB1B). Identifiers: Orphanet 871, MedGen C1970298, MONDO:0011474, OMIM 604559.
Erythrokeratodermia variabilis et progressiva 6. Identifiers: MedGen C5193144, MONDO:0032801, OMIM 618531.

Allele frequency attached by ClinVar (database versions not stated): gnomAD 0.00002; gnomAD exomes 0.00003 and 0.00004; TOPMed 0.00004; ExAC 0.00007.
gnomAD v4.1: 41 of 1,613,956 alleles (0.0025%); highest among the groups gnomAD compares: Non-Finnish European, 0.0033%; no homozygotes.

Submissions (4):

Labcorp Genetics (formerly Invitae), Labcorp
Classification: Uncertain significance for Progressive familial heart block type IB. Last evaluated: 2025-09-24. Review status: criteria provided, single submitter. Criteria: Invitae Variant Classification Sherloc (09022015). Collection method: clinical testing. Allele origin: germline.
Comment: This sequence change replaces tyrosine, which is neutral and polar, with aspartic acid, which is acidic and polar, at codon 1015 of the TRPM4 protein (p.Tyr1015Asp). The frequency data for this variant in the population databases is considered unreliable, as metrics indicate poor data quality at this position in the gnomAD database. This variant has not been reported in the literature in individuals affected with TRPM4-related conditions. ClinVar contains an entry for this variant (Variation ID: 871004). An algorithm developed to predict the effect of missense changes on protein structure and function (PolyPhen-2) suggests that this variant is likely to be disruptive. In summary, the available evidence is currently insufficient to determine the role of this variant in disease. Therefore, it has been classified as a Variant of Uncertain Significance.

Ambry Genetics
Classification: Uncertain significance for Cardiovascular phenotype. Last evaluated: 2024-10-25. Review status: criteria provided, single submitter. Criteria: Ambry Variant Classification Scheme 2023. Collection method: clinical testing. Allele origin: germline.
Comment: The p.Y1015D variant (also known as c.3043T>G), located in coding exon 20 of the TRPM4 gene, results from a T to G substitution at nucleotide position 3043. The tyrosine at codon 1015 is replaced by aspartic acid, an amino acid with highly dissimilar properties. This amino acid position is well conserved in available vertebrate species. In addition, this alteration is predicted to be deleterious by in silico analysis. Based on the available evidence, the clinical significance of this variant remains unclear.

GeneDx
Classification: Uncertain significance. Last evaluated: 2024-01-23. Review status: criteria provided, single submitter. Criteria: GeneDx Variant Classification Process June 2021. Collection method: clinical testing. Allele origin: germline. Affected: yes.
Comment: Has not been previously published as pathogenic or benign to our knowledge; In silico analysis supports that this missense variant has a deleterious effect on protein structure/function

Fulgent Genetics
Classification: Uncertain significance for Progressive familial heart block type IB; Erythrokeratodermia variabilis et progressiva 6. Last evaluated: 2021-08-02. Review status: criteria provided, single submitter. Criteria: ACMG Guidelines, 2015. Collection method: clinical testing. Allele origin: unknown.